The following is an entry in ClinVar:

ClinVar aggregate classification (germline): Uncertain significance. Review status: criteria provided, multiple submitters, no conflicts (2 of 4 stars). 4 submissions from 4 submitters: Uncertain significance (4). Last evaluated 2024-10-16.

Conditions:
Emery-Dreifuss muscular dystrophy 4, autosomal dominant (EDMD4). Also called: EMERY-DREIFUSS MUSCULAR DYSTROPHY 4 WITH VARIABLE FEATURES. Identifiers: Orphanet 261, MedGen C2751807, MONDO:0013071, OMIM 612998.
Autosomal recessive ataxia, Beauce type. Also called: SYNE1-Related Autosomal Recessive Cerebellar Ataxia; ATAXIA, RECESSIVE, OF BEAUCE; SYNE1 Deficiency; Spinocerebellar ataxia, autosomal recessive 8. Identifiers: Orphanet 88644, MedGen C1853116, MONDO:0012549, OMIM 610743.

Allele frequency attached by ClinVar (database versions not stated): gnomAD 0.00002 and 0.00005; gnomAD exomes 0.00003 and 0.00007; TOPMed 0.00004; ExAC 0.00007.
gnomAD v4.1: 50 of 1,614,026 alleles (0.0031%); highest among the groups gnomAD compares: Middle Eastern, 0.033%; no homozygotes.

Submissions (4):

Athena Diagnostics
Classification: Uncertain significance. Last evaluated: 2024-10-16. Review status: criteria provided, single submitter. Criteria: Athena Diagnostics Criteria. Collection method: clinical testing. Allele origin: unknown.
Comment: Available data are insufficient to determine the clinical significance of the variant at this time. The frequency of this variant in the general population is uninformative in assessment of its pathogenicity. Polyphen and MutationTaster predict this amino acid change may be benign.

Labcorp Genetics (formerly Invitae), Labcorp
Classification: Uncertain significance for Emery-Dreifuss muscular dystrophy 4, autosomal dominant; Autosomal recessive ataxia, Beauce type. Last evaluated: 2024-02-23. Review status: criteria provided, single submitter. Criteria: Invitae Variant Classification Sherloc (09022015). Collection method: clinical testing. Allele origin: germline.
Comment: This sequence change replaces serine, which is neutral and polar, with threonine, which is neutral and polar, at codon 855 of the SYNE1 protein (p.Ser855Thr). This variant is present in population databases (rs770713708, gnomAD 0.01%). This variant has not been reported in the literature in individuals affected with SYNE1-related conditions. ClinVar contains an entry for this variant (Variation ID: 1399195). Algorithms developed to predict the effect of missense changes on protein structure and function output the following: SIFT: "Not Available"; PolyPhen-2: "Benign"; Align-GVGD: "Not Available". The threonine amino acid residue is found in multiple mammalian species, which suggests that this missense change does not adversely affect protein function. In summary, the available evidence is currently insufficient to determine the role of this variant in disease. Therefore, it has been classified as a Variant of Uncertain Significance.

Revvity Omics, Revvity
Classification: Uncertain significance. Last evaluated: 2023-05-16. Review status: criteria provided, single submitter. Criteria: ACMG Guidelines, 2015. Collection method: clinical testing. Allele origin: germline.

CeGaT Center for Human Genetics Tuebingen
Classification: Uncertain significance. Last evaluated: 2022-09-01. Review status: criteria provided, single submitter. Criteria: CeGaT Center For Human Genetics Tuebingen Variant Classification Criteria Version 2. Collection method: clinical testing. Allele origin: germline. Affected: yes. Observed: 2 variant alleles.
Comment: SYNE1: PM2, BP4

Literature cited by the submitters: PubMed 38474032 (cited by Athena Diagnostics).

NM_182961.4(SYNE1):c.2543G>C (p.Ser848Thr)

Gene: SYNE1 (spectrin repeat containing nuclear envelope protein 1; minus strand). Cytogenetic location: 6q25.2.
Variant type: single nucleotide variant.
Coding change: c.2543G>C on transcript NM_182961.4 (MANE Select); coding-DNA position 2543, G replaced by C.
Protein change: p.Ser848Thr; replaces serine 848 with threonine.
Molecular consequence: missense variant.
Genome position (GRCh38, 1-based): chr6:152,458,782, C>G on the plus strand (G>C on the coding strand, the complement: SYNE1 is on the minus strand). VCF-style: chr6-152458782-C-G. GRCh37 (hg19) VCF-style: chr6-152779917-C-G.
Other names: c.2543G>C (NM_182961.2); c.2564G>C, p.Ser855Thr (NM_033071.5); c.2564G>C (NM_033071.3); short protein forms S848T, S855T.
Identifiers: ClinVar variation 1399195 (VCV001399195.34), dbSNP rs770713708, ClinGen allele CA4059116.